The following is an entry in ClinVar:

ClinVar aggregate classification (germline): Conflicting classifications of pathogenicity. Review status: criteria provided, conflicting classifications (1 of 4 stars). 7 submissions from 7 submitters: Uncertain significance (6); Likely benign (1). Last evaluated 2025-12-15.

Conditions:
Hereditary cancer-predisposing syndrome. Also called: Hereditary Cancer Syndrome; Neoplastic Syndromes, Hereditary; Tumor predisposition; Hereditary neoplastic syndrome. Identifiers: Orphanet 140162, MedGen C0027672, MeSH D009386, MONDO:0015356.
Breast-ovarian cancer, familial, susceptibility to, 4. Identifiers: Orphanet 145, MedGen C3280345, MONDO:0013669, OMIM 614291.

Allele frequency attached by ClinVar (database versions not stated): TOPMed below 0.00001; ExAC 0.00001; gnomAD exomes 0.00002; gnomAD 0.00003.

Submissions (7):

Labcorp Genetics (formerly Invitae), Labcorp
Classification: Uncertain significance for Breast-ovarian cancer, familial, susceptibility to, 4. Last evaluated: 2025-12-15. Review status: criteria provided, single submitter. Criteria: Invitae Variant Classification Sherloc (09022015). Collection method: clinical testing. Allele origin: germline.
Comment: This sequence change replaces glycine, which is neutral and non-polar, with alanine, which is neutral and non-polar, at codon 2 of the RAD51D protein (p.Gly2Ala). This variant is present in population databases (rs763716638, gnomAD 0.02%). This variant has not been reported in the literature in individuals affected with RAD51D-related conditions. ClinVar contains an entry for this variant (Variation ID: 480530). An algorithm developed to predict the effect of missense changes on protein structure and function (PolyPhen-2) suggests that this variant is likely to be tolerated. In summary, the available evidence is currently insufficient to determine the role of this variant in disease. Therefore, it has been classified as a Variant of Uncertain Significance.

Quest Diagnostics Nichols Institute San Juan Capistrano
Classification: Uncertain significance. Last evaluated: 2025-06-04. Review status: criteria provided, single submitter. Criteria: Quest Diagnostics criteria. Collection method: clinical testing. Allele origin: unknown.
Comment: The RAD51D c.5G>C (p.Gly2Ala) variant has not been reported in individuals with RAD51D-related conditions in the published literature. The frequency of this variant in the general population (Genome Aggregation Database) is uninformative in the assessment of its pathogenicity. Analysis of this variant using bioinformatics tools for the prediction of the effect of amino acid changes on protein structure and function yielded predictions that this variant is benign. Based on the available information, we are unable to determine the clinical significance of this variant.

Ambry Genetics
Classification: Likely benign for Hereditary cancer-predisposing syndrome. Last evaluated: 2024-03-14. Review status: criteria provided, single submitter. Criteria: Ambry Variant Classification Scheme 2023. Collection method: clinical testing. Allele origin: germline.

Baylor Genetics
Classification: Uncertain significance for Breast-ovarian cancer, familial, susceptibility to, 4. Last evaluated: 2024-01-11. Review status: criteria provided, single submitter. Criteria: ACMG Guidelines, 2015. Collection method: clinical testing. Allele origin: unknown. Study: CSER-TexasKidsCanSeq.

Color Diagnostics, LLC DBA Color Health
Classification: Uncertain significance for Hereditary cancer-predisposing syndrome. Last evaluated: 2023-12-05. Review status: criteria provided, single submitter. Criteria: ACMG Guidelines, 2015. Collection method: clinical testing. Allele origin: germline.
Comment: This missense variant replaces glycine with alanine at codon 2 of the RAD51D protein. Computational prediction suggests that this variant may not impact protein structure and function (internally defined REVEL score threshold <= 0.5, PMID: 27666373). To our knowledge, functional studies have not been reported for this variant. This variant has not been reported in individuals affected with RAD51D-related disorders in the literature. This variant has been identified in 7/277876 chromosomes in the general population by the Genome Aggregation Database (gnomAD). The available evidence is insufficient to determine the role of this variant in disease conclusively. Therefore, this variant is classified as a Variant of Uncertain Significance.

GeneDx
Classification: Uncertain significance. Last evaluated: 2023-10-18. Review status: criteria provided, single submitter. Criteria: GeneDx Variant Classification Process June 2021. Collection method: clinical testing. Allele origin: germline. Affected: yes.
Comment: In silico analysis supports that this missense variant does not alter protein structure/function; Has not been previously published as pathogenic or benign to our knowledge; This variant is associated with the following publications: (PMID: 21111057)

Women's Health and Genetics/Laboratory Corporation of America, LabCorp
Classification: Uncertain significance. Last evaluated: 2017-08-16. Review status: criteria provided, single submitter. Criteria: LabCorp Variant Classification Summary - May 2015. Collection method: clinical testing. Allele origin: germline.
Comment: Variant summary: The c.5G>C (p.Gly2Ala) in RAD51D gene is a missense variant involves a non-conserved nucleotide and 3/5 in silico tools predict benign outcome. The variant is located outside of any known functional domain or repeat, however no functional studies confirming no effect of this change on the protein function were published at the time of evaluation. The variant is present at a low frequencies in the control population datasets of ExAC and gnomAD (2.201e-5; 1/119274 and 6/272552chrs tested, respectively). These frequencies do not exceed the maximal expected allele frequency for a disease causing allele in RAD51D gene (0.000125). The variant has been not, to our knowledge, been reported in affected individuals via published reports or cited by reputable databases/clinical. Taken together, the variant was classified as VUS, until new information becomes available.

NM_002878.4(RAD51D):c.5G>C (p.Gly2Ala)

Genes: RAD51D (RAD51 paralog D; minus strand), RAD51L3-RFFL (RAD51L3-RFFL readthrough; minus strand). Cytogenetic location: 17q12.
Variant type: single nucleotide variant.
Coding change: c.5G>C on transcript NM_002878.4 (MANE Select); coding-DNA position 5, G replaced by C.
Protein change: p.Gly2Ala; replaces glycine 2 with alanine.
Molecular consequence: missense variant. On other transcripts: non-coding transcript variant (2).
Genome position (GRCh38, 1-based): chr17:35,119,609, C>G on the plus strand (G>C on the coding strand, the complement: RAD51D is on the minus strand). VCF-style: chr17-35119609-C-G. GRCh37 (hg19) VCF-style: chr17-33446628-C-G.
Other names: c.5G>C, p.Gly2Ala (NM_001142571.2, NM_133629.3); short protein forms G2A.
Identifiers: ClinVar variation 480530 (VCV000480530.27), dbSNP rs763716638, ClinGen allele CA8499710.